The following is an entry in ClinVar:

ClinVar aggregate classification (germline): Likely pathogenic (1 of 4 stars; one submission).

Conditions:
Mucopolysaccharidosis, MPS-III-B (MPS3B). Also called: N-ACETYL-ALPHA-D-GLUCOSAMINIDASE DEFICIENCY; NAGLU DEFICIENCY; SANFILIPPO SYNDROME B; MPS III B; Mucopolysaccharidosis type IIIB (Sanfilippo B); MPS IIIB (Sanfilippo Syndrome Type B). Identifiers: Orphanet 79270, MedGen C0086648, MONDO:0009656, OMIM 252920.
Charcot-Marie-Tooth disease axonal type 2V. Also called: CHARCOT-MARIE-TOOTH NEUROPATHY, TYPE 2V; CHARCOT-MARIE-TOOTH DISEASE, AXONAL, AUTOSOMAL DOMINANT, TYPE 2V. Identifiers: Orphanet 447964, MedGen C5569050, MONDO:0014665, OMIM 616491.

Submission:

Labcorp Genetics (formerly Invitae), Labcorp
Classification: Likely pathogenic for Charcot-Marie-Tooth disease axonal type 2V; Mucopolysaccharidosis, MPS-III-B. Last evaluated: 2023-10-14. Review status: criteria provided, single submitter. Criteria: Invitae Variant Classification Sherloc (09022015). Collection method: clinical testing. Allele origin: germline.
Comment: This sequence change replaces arginine, which is basic and polar, with leucine, which is neutral and non-polar, at codon 674 of the NAGLU protein (p.Arg674Leu). This variant is not present in population databases (gnomAD no frequency). This variant has not been reported in the literature in individuals affected with NAGLU-related conditions. ClinVar contains an entry for this variant (Variation ID: 1976686). Advanced modeling of protein sequence and biophysical properties (such as structural, functional, and spatial information, amino acid conservation, physicochemical variation, residue mobility, and thermodynamic stability) has been performed at Invitae for this missense variant, however the output from this modeling did not meet the statistical confidence thresholds required to predict the impact of this variant on NAGLU protein function. This variant disrupts the p.Arg674 amino acid residue in NAGLU. Other variant(s) that disrupt this residue have been determined to be pathogenic (PMID: 9443875, 10094189). This suggests that this residue is clinically significant, and that variants that disrupt this residue are likely to be disease-causing. In summary, the currently available evidence indicates that the variant is pathogenic, but additional data are needed to prove that conclusively. Therefore, this variant has been classified as Likely Pathogenic.

Literature cited by the submitters: PubMed 9443875 (cited by Labcorp Genetics (formerly Invitae), Labcorp); PubMed 10094189 (cited by Labcorp Genetics (formerly Invitae), Labcorp).

NM_000263.4(NAGLU):c.2021G>T (p.Arg674Leu)

Gene: NAGLU (N-acetyl-alpha-glucosaminidase; plus strand). Cytogenetic location: 17q21.2.
Variant type: single nucleotide variant.
Coding change: c.2021G>T on transcript NM_000263.4 (MANE Select); coding-DNA position 2021, G replaced by T.
Protein change: p.Arg674Leu; replaces arginine 674 with leucine.
Molecular consequence: missense variant.
Genome position (GRCh38, 1-based): chr17:42,544,027, G>T. VCF-style: chr17-42544027-G-T. GRCh37 (hg19) VCF-style: chr17-40696045-G-T.
Other names: short protein forms R674L.
Identifiers: ClinVar variation 1976686 (VCV001976686.6), dbSNP rs104894590, ClinGen allele CA399605893.